The following is an entry in ClinVar:

NM_024306.5(FA2H):c.865C>T (p.Gln289Ter)

Gene: FA2H (fatty acid 2-hydroxylase; minus strand). Cytogenetic location: 16q23.1.
Variant type: single nucleotide variant.
Coding change: c.865C>T on transcript NM_024306.5 (MANE Select); coding-DNA position 865, C replaced by T.
Protein change: p.Gln289Ter; replaces glutamine 289 with a stop codon.
Molecular consequence: nonsense.
Genome position (GRCh38, 1-based): chr16:74,716,521, G>A on the plus strand (C>T on the coding strand, the complement: FA2H is on the minus strand). VCF-style: chr16-74716521-G-A. GRCh37 (hg19) VCF-style: chr16-74750419-G-A.
Other names: short protein forms Q289*.
Identifiers: ClinVar variation 2715494 (VCV002715494.3), dbSNP rs763075924, ClinGen allele CA396769179.

ClinVar aggregate classification (germline): Pathogenic (1 of 4 stars; one submission).

Conditions:
Spastic paraplegia. Identifiers: MedGen C0037772, HP:0001258.

Submission:

Labcorp Genetics (formerly Invitae), Labcorp
Classification: Pathogenic for Spastic paraplegia. Last evaluated: 2025-10-02. Review status: criteria provided, single submitter. Criteria: Invitae Variant Classification Sherloc (09022015). Collection method: clinical testing. Allele origin: germline.
Comment: This sequence change creates a premature translational stop signal (p.Gln289*) in the FA2H gene. It is expected to result in an absent or disrupted protein product. Loss-of-function variants in FA2H are known to be pathogenic (PMID: 20853438, 25496456, 25732363, 26344562). This variant is not present in population databases (gnomAD no frequency). This variant has not been reported in the literature in individuals affected with FA2H-related conditions. ClinVar contains an entry for this variant (Variation ID: 2715494). For these reasons, this variant has been classified as Pathogenic.

Literature cited by the submitters: PubMed 20853438; PubMed 25496456; PubMed 25732363; PubMed 26344562.